The following is an entry in ClinVar:

ClinVar aggregate classification (germline): Uncertain significance. Review status: criteria provided, multiple submitters, no conflicts (2 of 4 stars). 4 submissions from 4 submitters: Uncertain significance (2). 2 of the submissions do not count toward it. Last evaluated 2025-11-04.

Conditions:
Inborn genetic diseases. Identifiers: MedGen C0950123, MeSH D030342.

Allele frequency attached by ClinVar (database versions not stated): ExAC 0.00002; gnomAD exomes 0.00003; gnomAD 0.00006; ESP Exome Variant Server 0.00008; TOPMed 0.00008.

Submissions (4):

Labcorp Genetics (formerly Invitae), Labcorp
Classification: Uncertain significance. Last evaluated: 2025-11-04. Review status: criteria provided, single submitter. Criteria: Invitae Variant Classification Sherloc (09022015). Collection method: clinical testing. Allele origin: germline.
Comment: This sequence change replaces alanine, which is neutral and non-polar, with valine, which is neutral and non-polar, at codon 353 of the MERTK protein (p.Ala353Val). This variant is present in population databases (rs142060697, gnomAD 0.04%). This variant has not been reported in the literature in individuals affected with MERTK-related conditions. ClinVar contains an entry for this variant (Variation ID: 1064335). Invitae Evidence Modeling of protein sequence and biophysical properties (such as structural, functional, and spatial information, amino acid conservation, physicochemical variation, residue mobility, and thermodynamic stability) indicates that this missense variant is not expected to disrupt MERTK protein function with a negative predictive value of 80%. In summary, the available evidence is currently insufficient to determine the role of this variant in disease. Therefore, it has been classified as a Variant of Uncertain Significance.

Ambry Genetics
Classification: Uncertain significance for Inborn genetic diseases. Last evaluated: 2024-09-27. Review status: criteria provided, single submitter. Criteria: Ambry Variant Classification Scheme 2023. Collection method: clinical testing. Allele origin: germline.

Clinical Genetics, Academic Medical Center
Classification: Uncertain significance. Review status: no assertion criteria provided. Collection method: clinical testing. Allele origin: germline. Affected: yes. Study: VKGL Data-share Consensus. Not counted in ClinVar's aggregate classification.

Joint Genome Diagnostic Labs from Nijmegen and Maastricht, Radboudumc and MUMC+
Classification: Uncertain significance. Review status: no assertion criteria provided. Collection method: clinical testing. Allele origin: germline. Affected: yes. Study: VKGL Data-share Consensus. Not counted in ClinVar's aggregate classification.

NM_006343.3(MERTK):c.1058C>T (p.Ala353Val)

Genes: MERTK (MER proto-oncogene, tyrosine kinase; plus strand), LOC112806037 (Sharpr-MPRA regulatory region 3720; plus strand). Cytogenetic location: 2q13.
Variant type: single nucleotide variant.
Coding change: c.1058C>T on transcript NM_006343.3 (MANE Select); coding-DNA position 1058, C replaced by T.
Protein change: p.Ala353Val; replaces alanine 353 with valine.
Molecular consequence: missense variant.
Genome position (GRCh38, 1-based): chr2:111,975,386, C>T. VCF-style: chr2-111975386-C-T. GRCh37 (hg19) VCF-style: chr2-112732963-C-T.
Other names: c.1058C>T (NM_006343.2); short protein forms A353V.
Identifiers: ClinVar variation 1064335 (VCV001064335.15), dbSNP rs142060697, ClinGen allele CA1831263.